The following is an entry in ClinVar:

ClinVar aggregate classification (germline): Uncertain significance (1 of 4 stars; one submission).

Conditions:
Hereditary cancer-predisposing syndrome. Also called: Tumor predisposition; Hereditary neoplastic syndrome; Hereditary Cancer Syndrome; Neoplastic Syndromes, Hereditary. Identifiers: Orphanet 140162, MedGen C0027672, MeSH D009386, MONDO:0015356.

Submission:

Ambry Genetics
Classification: Uncertain significance for Hereditary cancer-predisposing syndrome. Last evaluated: 2023-11-08. Review status: criteria provided, single submitter. Criteria: Ambry Variant Classification Scheme 2023. Collection method: clinical testing. Allele origin: germline.
Comment: The p.K129R variant (also known as c.386A>G), located in coding exon 3 of the EPCAM gene, results from an A to G substitution at nucleotide position 386. The lysine at codon 129 is replaced by arginine, an amino acid with highly similar properties. This amino acid position is conserved. In addition, the in silico prediction for this alteration is inconclusive. Since supporting evidence is limited at this time, the clinical significance of this alteration remains unclear.

NM_002354.3(EPCAM):c.386A>G (p.Lys129Arg)

Gene: EPCAM (epithelial cell adhesion molecule; plus strand). Cytogenetic location: 2p21.
Variant type: single nucleotide variant.
Coding change: c.386A>G on transcript NM_002354.3 (MANE Select); coding-DNA position 386, A replaced by G.
Protein change: p.Lys129Arg; replaces lysine 129 with arginine.
Molecular consequence: missense variant.
Genome position (GRCh38, 1-based): chr2:47,374,009, A>G. VCF-style: chr2-47374009-A-G. GRCh37 (hg19) VCF-style: chr2-47601148-A-G.
Other names: short protein forms K129R.
Identifiers: ClinVar variation 3222107 (VCV003222107.1), dbSNP rs2103747894, ClinGen allele CA346723433.
Genomic context (GRCh38, chr2:47,374,009, plus strand): 5'-AGTGCAACGGCACCTCCATGTGCTGGTGTGTGAACACTGCTGGGGTCAGAAGAACAGACA[A>G]GGACACTGAAATAACCTGCTCTGAGCGAGTGAGAACCTAGTGAGTGGGGCTGCCTATACT-3'
Protein context (NP_002345.2, residues 119-139): VNTAGVRRTD[Lys129Arg]DTEITCSERV